The following is an entry in ClinVar:

NM_015665.6(AAAS):c.912T>G (p.Ala304=)

Gene: AAAS (aladin WD repeat nucleoporin; minus strand). Cytogenetic location: 12q13.13.
Variant type: single nucleotide variant.
Coding change: c.912T>G on transcript NM_015665.6 (MANE Select); coding-DNA position 912, T replaced by G.
Protein change: p.Ala304=; no amino-acid change (alanine 304 retained).
Molecular consequence: synonymous variant.
Genome position (GRCh38, 1-based): chr12:53,309,180, A>C on the plus strand (T>G on the coding strand, the complement: AAAS is on the minus strand). VCF-style: chr12-53309180-A-C. GRCh37 (hg19) VCF-style: chr12-53702964-A-C.
Other names: p.Ala304=; c.813T>G, p.Ala271= (NM_001173466.2).
Identifiers: ClinVar variation 309731 (VCV000309731.34), dbSNP rs138749872, ClinGen allele CA6599060.

ClinVar aggregate classification (germline): Likely benign. Review status: criteria provided, multiple submitters, no conflicts (2 of 4 stars). 3 submissions from 3 submitters: Likely benign (3). Last evaluated 2025-05-07.

Allele frequency attached by ClinVar (database versions not stated): TOPMed 0.00009; ESP Exome Variant Server 0.00038.
gnomAD v4.1: 146 of 1,614,028 alleles (0.009%); highest among the groups gnomAD compares: Non-Finnish European, 0.011%; no homozygotes.

Submissions (3):

Mayo Clinic Laboratories, Mayo Clinic
Classification: Likely benign. Last evaluated: 2025-05-07. Review status: criteria provided, single submitter. Criteria: ACMG Guidelines, 2015. Collection method: clinical testing. Allele origin: germline. Observed: 1 variant allele.
Comment: BP4, BP7

Labcorp Genetics (formerly Invitae), Labcorp
Classification: Likely benign. Last evaluated: 2024-02-26. Review status: criteria provided, single submitter. Criteria: Invitae Variant Classification Sherloc (09022015). Collection method: clinical testing. Allele origin: germline.

CeGaT Center for Human Genetics Tuebingen
Classification: Likely benign. Last evaluated: 2024-02-01. Review status: criteria provided, single submitter. Criteria: CeGaT Center For Human Genetics Tuebingen Variant Classification Criteria Version 2. Collection method: clinical testing. Allele origin: germline. Affected: yes. Observed: 1 variant allele.
Comment: AAAS: BP4, BP7